The following is an entry in ClinVar:

ClinVar aggregate classification (germline): Uncertain significance (1 of 4 stars; one submission).

Allele frequency attached by ClinVar (database versions not stated): TOPMed below 0.00001; ExAC 0.00001; ESP Exome Variant Server 0.00008.
gnomAD v4.1: 14 of 1,613,670 alleles (0.00087%); highest among the groups gnomAD compares: Non-Finnish European, 0.0012%; no homozygotes.

Submission:

Labcorp Genetics (formerly Invitae), Labcorp
Classification: Uncertain significance. Last evaluated: 2023-07-25. Review status: criteria provided, single submitter. Criteria: Invitae Variant Classification Sherloc (09022015). Collection method: clinical testing. Allele origin: germline.
Comment: In summary, the available evidence is currently insufficient to determine the role of this variant in disease. Therefore, it has been classified as a Variant of Uncertain Significance. An algorithm developed to predict the effect of missense changes on protein structure and function (PolyPhen-2) suggests that this variant is likely to be disruptive. This variant has not been reported in the literature in individuals affected with SON-related conditions. This variant is present in population databases (rs371258902, gnomAD 0.0009%). This sequence change replaces alanine, which is neutral and non-polar, with threonine, which is neutral and polar, at codon 893 of the SON protein (p.Ala893Thr).

NM_138927.4(SON):c.2677G>A (p.Ala893Thr)

Gene: SON (SON DNA and RNA binding protein; plus strand). Cytogenetic location: 21q22.11.
Variant type: single nucleotide variant.
Coding change: c.2677G>A on transcript NM_138927.4 (MANE Select); coding-DNA position 2677, G replaced by A.
Protein change: p.Ala893Thr; replaces alanine 893 with threonine.
Molecular consequence: missense variant. On other transcripts: non-coding transcript variant (1), intron variant (1).
Genome position (GRCh38, 1-based): chr21:33,551,908, G>A. VCF-style: chr21-33551908-G-A. GRCh37 (hg19) VCF-style: chr21-34924214-G-A.
Other names: c.2677G>A, p.Ala893Thr (NM_032195.3, NM_058183.2, NM_138926.1 and 2 more transcripts); c.245-5248G>A (NM_001291412.3); short protein forms A893T.
Identifiers: ClinVar variation 2712220 (VCV002712220.3), dbSNP rs371258902, ClinGen allele CA10009151.